The following is an entry in ClinVar:

ClinVar aggregate classification (germline): Uncertain significance. Review status: criteria provided, multiple submitters, no conflicts (2 of 4 stars). 2 submissions from 2 submitters: Uncertain significance (2). Last evaluated 2026-02-08.

Conditions:
Inborn genetic diseases. Identifiers: MedGen C0950123, MeSH D030342.

Allele frequency attached by ClinVar (database versions not stated): TOPMed below 0.00001.
gnomAD v4.1: 2 of 1,614,122 alleles (0.00012%); highest among the groups gnomAD compares: Non-Finnish European, 0.00017%; no homozygotes.

Submissions (2):

GeneDx
Classification: Uncertain significance. Last evaluated: 2026-02-08. Review status: criteria provided, single submitter. Criteria: GeneDx Variant Classification Process June 2021. Collection method: clinical testing. Allele origin: germline. Affected: yes.
Comment: Not observed at significant frequency in large population cohorts (gnomAD); In silico analysis suggests that this missense variant does not alter protein structure/function; Has not been previously published as pathogenic or benign to our knowledge

Ambry Genetics
Classification: Uncertain significance for Inborn genetic diseases. Last evaluated: 2022-06-13. Review status: criteria provided, single submitter. Criteria: Ambry Variant Classification Scheme 2023. Collection method: clinical testing. Allele origin: germline.

NM_182641.4(BPTF):c.3755C>T (p.Ala1252Val)

Gene: BPTF (bromodomain PHD finger transcription factor; plus strand). Cytogenetic location: 17q24.2.
Variant type: single nucleotide variant.
Coding change: c.3755C>T on transcript NM_182641.4 (MANE Select); coding-DNA position 3755, C replaced by T.
Protein change: p.Ala1252Val; replaces alanine 1252 with valine.
Molecular consequence: missense variant.
Genome position (GRCh38, 1-based): chr17:67,911,639, C>T. VCF-style: chr17-67911639-C-T. GRCh37 (hg19) VCF-style: chr17-65907755-C-T.
Other names: c.4133C>T, p.Ala1378Val (NM_004459.7); c.3755C>T (NM_182641.3); short protein forms A1252V, A1378V.
Identifiers: ClinVar variation 1327378 (VCV001327378.5), dbSNP rs2080059293, ClinGen allele CA400727267.
Genomic context (GRCh38, chr17:67,911,639, plus strand): 5'-AGAACAAAAAACCGCTCATACAGGAGGAAAGTGACACCATTGTTTCTTCTTCCAAGAGTG[C>T]TTTACATTCATCAGTGCCTAAAAGTACCAATGACAGAGATGCCACACCTCTGTCAAGAGC-3'
Protein context (NP_872579.2, residues 1242-1262): SDTIVSSSKS[Ala1252Val]LHSSVPKSTN